The following is an entry in ClinVar:

ClinVar aggregate classification (germline): Uncertain significance (1 of 4 stars; one submission).

gnomAD v4.1: 20 of 1,602,960 alleles (0.0012%); highest among the groups gnomAD compares: Middle Eastern, 0.033%; no homozygotes.

Submission:

Genetic Services Laboratory, University of Chicago
Classification: Uncertain significance. Last evaluated: 2023-01-20. Review status: criteria provided, single submitter. Criteria: ACMG Guidelines, 2015. Collection method: clinical testing. Allele origin: germline. Affected: no.
Comment: DNA sequence analysis of the MAPKBP1 gene demonstrated a sequence change, c.1787G>A, in exon 16 that results in an amino acid change, p.Arg596His. This sequence change has been described in the gnomAD database in three individuals corresponding to a population frequency of 0.001% (dbSNP rs1431186534). The p.Arg596His change affects a moderately conserved amino acid residue located in a domain of the MAPKBP1 protein that is known to be functional. In-silico pathogenicity prediction tools (SIFT, PolyPhen2, Align GVGD, REVEL) provide contradictory results for the p.Arg596His substitution. This sequence change does not appear to have been previously described in individuals with MAPKBP1-related disorders. Due to insufficient evidence and the lack of functional studies, the clinical significance of the p.Arg596His change remains unknown at this time.

NM_014994.3(MAPKBP1):c.1769G>A (p.Arg590His)

Gene: MAPKBP1 (mitogen-activated protein kinase binding protein 1; plus strand). Cytogenetic location: 15q15.1.
Variant type: single nucleotide variant.
Coding change: c.1769G>A on transcript NM_014994.3 (MANE Select); coding-DNA position 1769, G replaced by A.
Protein change: p.Arg590His; replaces arginine 590 with histidine.
Molecular consequence: missense variant. On other transcripts: non-coding transcript variant (2).
Genome position (GRCh38, 1-based): chr15:41,817,445, G>A. VCF-style: chr15-41817445-G-A. GRCh37 (hg19) VCF-style: chr15-42109643-G-A.
Other names: c.1787G>A, p.Arg596His (NM_001128608.2); c.1769G>A, p.Arg590His (NM_001265611.2); short protein forms R590H, R596H.
Identifiers: ClinVar variation 4082465 (VCV004082465.2).
Genomic context (GRCh38, chr15:41,817,445, plus strand): 5'-TAGCCAGTGATGGGCAAGTCCGCATGATCAGCTGTGGAGCAGACAAGAGCATCTACTTCC[G>A]CACTGCGCAGAAGGTGAGGGCGCTGGGCTTTCCTGAGAGGGGCGGGACAGGGCGGGGTCT-3'
Protein context (NP_055809.2, residues 580-600): SCGADKSIYF[Arg590His]TAQKSGDGVQ